The following is an entry in ClinVar:

NM_000051.4(ATM):c.8558C>G (p.Thr2853Arg)

Genes: ATM (ATM serine/threonine kinase; plus strand), C11orf65 (chromosome 11 open reading frame 65; minus strand). Cytogenetic location: 11q22.3.
Variant type: single nucleotide variant.
Coding change: c.8558C>G on transcript NM_000051.4 (MANE Select); coding-DNA position 8558, C replaced by G.
Protein change: p.Thr2853Arg; replaces threonine 2853 with arginine.
Molecular consequence: missense variant. On other transcripts: intron variant (2).
Genome position (GRCh38, 1-based): chr11:108,345,882, C>G. VCF-style: chr11-108345882-C-G. GRCh37 (hg19) VCF-style: chr11-108216609-C-G.
Other names: p.T2853R:ACG>AGG; c.8558C>G, p.Thr2853Arg (NM_001351834.2); c.641-36811G>C (NM_001330368.2); c.695-10590G>C (NM_001351110.2); short protein forms T2853R.
Identifiers: ClinVar variation 127460 (VCV000127460.19), dbSNP rs141534716, ClinGen allele CA287021.

ClinVar aggregate classification (germline): Uncertain significance. Review status: criteria provided, multiple submitters, no conflicts (2 of 4 stars). 5 submissions from 5 submitters: Uncertain significance (4). 1 of the submissions does not count toward it. Last evaluated 2025-05-15.

Conditions:
Hereditary cancer-predisposing syndrome. Also called: Neoplastic Syndromes, Hereditary; Hereditary Cancer Syndrome; Tumor predisposition; Hereditary neoplastic syndrome. Identifiers: Orphanet 140162, MedGen C0027672, MeSH D009386, MONDO:0015356.
Ataxia-telangiectasia syndrome (AT). Also called: Ataxia-telangiectasia, complementation group D; AT, COMPLEMENTATION GROUP C; Ataxia-telangiectasia; ATAXIA-TELANGIECTASIA, COMPLEMENTATION GROUP A; ATAXIA-TELANGIECTASIA, FRESNO VARIANT; Ataxia-telangiectasia, complementation group E. Identifiers: Orphanet 100, MedGen C0004135, MONDO:0008840, OMIM 208900.

Submissions (5):

Women's Health and Genetics/Laboratory Corporation of America, LabCorp
Classification: Uncertain significance. Last evaluated: 2025-05-15. Review status: criteria provided, single submitter. Criteria: LabCorp Variant Classification Summary - May 2015. Collection method: clinical testing. Allele origin: germline.
Comment: Variant summary: ATM c.8558C>G (p.Thr2853Arg) results in a non-conservative amino acid change in the encoded protein sequence. Algorithms developed to predict the effect of missense changes on protein structure and function all suggest that this variant is likely to be disruptive. The variant was absent in 251092 control chromosomes (gnomAD). The available data on variant occurrences in the general population are insufficient to allow any conclusion about variant significance. c.8558C>G has been observed in an individual affected with breast cancer (Maxwell_2015). This report does not provide unequivocal conclusions about association of the variant with Ataxia-Telangiectasia. To our knowledge, no experimental evidence demonstrating an impact on protein function has been reported. The following publication has been ascertained in the context of this evaluation (PMID: 25503501). ClinVar contains an entry for this variant (Variation ID: 127460). Based on the evidence outlined above, the variant was classified as uncertain significance.

Ambry Genetics
Classification: Uncertain significance for Hereditary cancer-predisposing syndrome. Last evaluated: 2025-03-25. Review status: criteria provided, single submitter. Criteria: Ambry Variant Classification Scheme 2023. Collection method: clinical testing. Allele origin: germline.
Comment: The p.T2853R variant (also known as c.8558C>G), located in coding exon 57 of the ATM gene, results from a C to G substitution at nucleotide position 8558. The threonine at codon 2853 is replaced by arginine, an amino acid with similar properties. This alteration was previously reported in one individual from a cohort of 278 BRCA1/2-negative individuals with early-onset breast cancer via multiplex panel testing of 22 cancer susceptibility genes (Maxwell KN et al. Genet. Med., 2015 Aug;17:630 8). This amino acid position is highly conserved in available vertebrate species. In addition, this alteration is predicted to be deleterious by in silico analysis. Based on the available evidence, the clinical significance of this variant remains unclear.

Labcorp Genetics (formerly Invitae), Labcorp
Classification: Uncertain significance for Ataxia-telangiectasia syndrome. Last evaluated: 2023-11-08. Review status: criteria provided, single submitter. Criteria: Invitae Variant Classification Sherloc (09022015). Collection method: clinical testing. Allele origin: germline.
Comment: This sequence change replaces threonine, which is neutral and polar, with arginine, which is basic and polar, at codon 2853 of the ATM protein (p.Thr2853Arg). This variant is not present in population databases (gnomAD no frequency). This missense change has been observed in individual(s) with breast cancer (PMID: 25503501). ClinVar contains an entry for this variant (Variation ID: 127460). An algorithm developed to predict the effect of missense changes on protein structure and function (PolyPhen-2) suggests that this variant is likely to be disruptive. In summary, the available evidence is currently insufficient to determine the role of this variant in disease. Therefore, it has been classified as a Variant of Uncertain Significance.

GeneDx
Classification: Uncertain significance. Last evaluated: 2014-02-18. Review status: criteria provided, single submitter. Criteria: GeneDx Variant Classification (06012015). Collection method: clinical testing. Allele origin: germline. Affected: yes.
Comment: This variant is denoted ATM c.8558C>G at the cDNA level, p.Thr2853Arg (T2853R) at the protein level, and results in the change of a Threonine to an Arginine (ACG>AGG). This variant has not, to our knowledge, been published in the literature as pathogenic or benign. ATM Thr2853Arg was not observed in approximately 6,500 individuals of European and African American ancestry in the NHLBI Exome Sequencing Project, indicating it is not a common benign variant in these populations. This variant is a semi-conservative substitution in which a neutral polar amino acid is replaced with a positive polar one, altering a position that is fully conserved throughout evolution and is located within the Phosphatidylinositol 3- and 4-kinase domain (UniProt). Multiple in silico algorithms predict that this variant may be damaging to protein structure and function. Based on the currently available information, we consider ATM Thr2853Arg to be a variant of uncertain significance.

Counsyl
Classification: Uncertain significance for Ataxia-telangiectasia syndrome. Last evaluated: 2018-05-30. Review status: no assertion criteria provided. Collection method: clinical testing. Allele origin: unknown. Not counted in ClinVar's aggregate classification.

Literature cited by the submitters: PubMed 25503501 (cited by 3 submitters).